The following is an entry in ClinVar:

ClinVar aggregate classification (germline): Uncertain significance (1 of 4 stars; one submission).

Allele frequency attached by ClinVar (database versions not stated): gnomAD 0.00001.

Submission:

Labcorp Genetics (formerly Invitae), Labcorp
Classification: Uncertain significance. Last evaluated: 2022-08-11. Review status: criteria provided, single submitter. Criteria: Invitae Variant Classification Sherloc (09022015). Collection method: clinical testing. Allele origin: germline.
Comment: In summary, the available evidence is currently insufficient to determine the role of this variant in disease. Therefore, it has been classified as a Variant of Uncertain Significance. Advanced modeling of protein sequence and biophysical properties (such as structural, functional, and spatial information, amino acid conservation, physicochemical variation, residue mobility, and thermodynamic stability) performed at Invitae indicates that this missense variant is not expected to disrupt COL27A1 protein function. This variant has not been reported in the literature in individuals affected with COL27A1-related conditions. This variant is present in population databases (no rsID available, gnomAD 0.003%). This sequence change replaces proline, which is neutral and non-polar, with serine, which is neutral and polar, at codon 1608 of the COL27A1 protein (p.Pro1608Ser).

NM_032888.4(COL27A1):c.4822C>T (p.Pro1608Ser)

Gene: COL27A1 (collagen type XXVII alpha 1 chain; plus strand). Cytogenetic location: 9q32.
Variant type: single nucleotide variant.
Coding change: c.4822C>T on transcript NM_032888.4 (MANE Select); coding-DNA position 4822, C replaced by T.
Protein change: p.Pro1608Ser; replaces proline 1608 with serine.
Molecular consequence: missense variant.
Genome position (GRCh38, 1-based): chr9:114,301,694, C>T. VCF-style: chr9-114301694-C-T. GRCh37 (hg19) VCF-style: chr9-117063974-C-T.
Other names: short protein forms P1608S.
Identifiers: ClinVar variation 1938325 (VCV001938325.5), dbSNP rs373107095, ClinGen allele CA374594108.